The following is an entry in ClinVar:

NM_000136.3(FANCC):c.1264C>G (p.Leu422Val)

Genes: AOPEP (aminopeptidase O (putative); plus strand), FANCC (FA complementation group C; minus strand). Cytogenetic location: 9q22.32.
Variant type: single nucleotide variant.
Coding change: c.1264C>G on transcript NM_000136.3 (MANE Select); coding-DNA position 1264, C replaced by G.
Protein change: p.Leu422Val; replaces leucine 422 with valine.
Molecular consequence: missense variant.
Genome position (GRCh38, 1-based): chr9:95,111,528, G>C on the plus strand (C>G on the coding strand, the complement: FANCC is on the minus strand). VCF-style: chr9-95111528-G-C. GRCh37 (hg19) VCF-style: chr9-97873810-G-C.
Other names: c.1264C>G, p.Leu422Val (NM_001243743.2, NM_001243744.2); short protein forms L422V.
Identifiers: ClinVar variation 4254388 (VCV004254388.2).

ClinVar aggregate classification (germline): Uncertain significance. Review status: criteria provided, multiple submitters, no conflicts (2 of 4 stars). 2 submissions from 2 submitters: Uncertain significance (2). Last evaluated 2025-11-04.

Conditions:
Fanconi anemia (FA). Also called: Fanconi's anemia. Identifiers: Orphanet 84, MedGen C0015625, MeSH D005199, MONDO:0019391.
Hereditary cancer-predisposing syndrome. Also called: Hereditary Cancer Syndrome; Hereditary neoplastic syndrome; Neoplastic Syndromes, Hereditary; Tumor predisposition. Identifiers: Orphanet 140162, MedGen C0027672, MeSH D009386, MONDO:0015356.

gnomAD v4.1: 1 of 1,614,150 alleles (0.000062%); no homozygotes.

Submissions (2):

Labcorp Genetics (formerly Invitae), Labcorp
Classification: Uncertain significance for Fanconi anemia. Last evaluated: 2025-11-04. Review status: criteria provided, single submitter. Criteria: Invitae Variant Classification Sherloc (09022015). Collection method: clinical testing. Allele origin: germline.
Comment: This sequence change replaces leucine, which is neutral and non-polar, with valine, which is neutral and non-polar, at codon 422 of the FANCC protein (p.Leu422Val). This variant is present in population databases (no rsID available, gnomAD no frequency). This variant has not been reported in the literature in individuals affected with FANCC-related conditions. ClinVar contains an entry for this variant (Variation ID: 4254388). Invitae Evidence Modeling of protein sequence and biophysical properties (such as structural, functional, and spatial information, amino acid conservation, physicochemical variation, residue mobility, and thermodynamic stability) indicates that this missense variant is not expected to disrupt FANCC protein function with a negative predictive value of 80%. In summary, the available evidence is currently insufficient to determine the role of this variant in disease. Therefore, it has been classified as a Variant of Uncertain Significance.

Ambry Genetics
Classification: Uncertain significance for Hereditary cancer-predisposing syndrome. Last evaluated: 2025-08-01. Review status: criteria provided, single submitter. Criteria: Ambry Variant Classification Scheme 2023. Collection method: clinical testing. Allele origin: germline.
Comment: The p.L422V variant (also known as c.1264C>G), located in coding exon 12 of the FANCC gene, results from a C to G substitution at nucleotide position 1264. The leucine at codon 422 is replaced by valine, an amino acid with highly similar properties. This amino acid position is conserved. In addition, this alteration is predicted to be tolerated by in silico analysis. Based on the available evidence, the clinical significance of this variant remains unclear.